The following is an entry in ClinVar:

NM_020778.5(ALPK3):c.4879G>A (p.Gly1627Ser)

Gene: ALPK3 (alpha kinase 3; plus strand). Cytogenetic location: 15q25.3.
Variant type: single nucleotide variant.
Coding change: c.4879G>A on transcript NM_020778.5 (MANE Select); coding-DNA position 4879, G replaced by A.
Protein change: p.Gly1627Ser; replaces glycine 1627 with serine.
Molecular consequence: missense variant.
Genome position (GRCh38, 1-based): chr15:84,868,217, G>A. VCF-style: chr15-84868217-G-A. GRCh37 (hg19) VCF-style: chr15-85411448-G-A.
Other names: short protein forms G1627S.
Identifiers: ClinVar variation 1747818 (VCV001747818.2), dbSNP rs2505733442, ClinGen allele CA393365748.

ClinVar aggregate classification (germline): Uncertain significance (1 of 4 stars; one submission).

Conditions:
Cardiovascular phenotype. Identifiers: MedGen CN230736.

Submission:

Ambry Genetics
Classification: Uncertain significance for Cardiovascular phenotype. Last evaluated: 2022-05-20. Review status: criteria provided, single submitter. Criteria: Ambry Variant Classification Scheme 2023. Collection method: clinical testing. Allele origin: germline.
Comment: The p.G1829S variant (also known as c.5485G>A), located in coding exon 14 of the ALPK3 gene, results from a G to A substitution at nucleotide position 5485. The glycine at codon 1829 is replaced by serine, an amino acid with similar properties. This amino acid position is conserved. In addition, this alteration is predicted to be tolerated by in silico analysis. Since supporting evidence is limited at this time, the clinical significance of this alteration remains unclear.